The following is an entry in ClinVar:

ClinVar aggregate classification (germline): Pathogenic (1 of 4 stars; one submission).

Conditions:
Early-infantile DEE. Also called: Early infantile epileptic encephalopathy with suppression bursts; Early infantile epileptic encephalopathy; Ohtahara syndrome. Identifiers: Orphanet 1934, MedGen C0393706, MONDO:0800491.

Submission:

Labcorp Genetics (formerly Invitae), Labcorp
Classification: Pathogenic for Early-infantile DEE. Last evaluated: 2025-06-15. Review status: criteria provided, single submitter. Criteria: Invitae Variant Classification Sherloc (09022015). Collection method: clinical testing. Allele origin: germline.
Comment: This sequence change creates a premature translational stop signal (p.Gly338Alafs*2) in the KCNQ2 gene. It is expected to result in an absent or disrupted protein product. Loss-of-function variants in KCNQ2 are known to be pathogenic (PMID: 14534157, 23692823, 27779742). This variant is not present in population databases (gnomAD no frequency). This variant has not been reported in the literature in individuals affected with KCNQ2-related conditions. For these reasons, this variant has been classified as Pathogenic.

Literature cited by the submitters: PubMed 14534157; PubMed 23692823; PubMed 27779742.

NM_172107.4(KCNQ2):c.1013del (p.Gly338fs)

Gene: KCNQ2 (potassium voltage-gated channel subfamily Q member 2; minus strand). Cytogenetic location: 20q13.33.
Variant type: Deletion.
Coding change: c.1013del on transcript NM_172107.4 (MANE Select); coding-DNA position 1013, one base deleted (G; older notation c.1013delG).
Protein change: p.Gly338fs; shifts the reading frame from glycine 338.
Molecular consequence: frameshift variant.
Genome position (GRCh38, 1-based): chr20:63,438,635, C deleted on the plus strand (G on the coding strand, the reverse complement: KCNQ2 is on the minus strand); the first of 2 consecutive C bases (chr20:63,438,635-63,438,636); deleting either gives the same sequence. VCF-style (leftmost placement, unchanged base first): chr20-63438634-GC-G. GRCh37 (hg19) VCF-style: chr20-62069987-GC-G.
Other names: c.1013del, p.Gly338fs (NM_001382235.1, NM_001439003.1, NM_001439004.1 and 4 more transcripts); short protein forms G338fs.
Identifiers: ClinVar variation 4721433 (VCV004721433.1).